The following is an entry in ClinVar:

ClinVar aggregate classification (germline): Uncertain significance. Review status: criteria provided, multiple submitters, no conflicts (2 of 4 stars). 2 submissions from 2 submitters: Uncertain significance (2). Last evaluated 2024-11-11.

Conditions:
Autosomal dominant spastic paraplegia type 9. Identifiers: MedGen C1832669, MONDO:0015091.
de Barsy syndrome. Also called: Cutis laxa-corneal clouding-oligophrenia syndrome. Identifiers: Orphanet 2962, MedGen C0268354, MONDO:0017569.
Cutis laxa, autosomal dominant 3 (ADCL3). Identifiers: Orphanet 90348, MedGen C4225268, MONDO:0014706, OMIM 616603.

Allele frequency attached by ClinVar (database versions not stated): gnomAD exomes 0.00003 and 0.00001; TOPMed 0.00001; ExAC 0.00002.
gnomAD v4.1: 23 of 1,613,824 alleles (0.0014%); highest among the groups gnomAD compares: East Asian, 0.0045%; no homozygotes.

Submissions (2):

Dasa
Classification: Uncertain significance. Last evaluated: 2024-11-11. Review status: criteria provided, single submitter. Criteria: DASA Assertion Criteria. Collection method: clinical testing. Allele origin: germline.
Comment: NM_002860.4(ALDH18A1):c.1190C>T (p.Thr397Met) is a missense variant that results in the substitution of threonine with methionine. This variant is rare in population databases. The currently available literature and clinical evidence are not sufficient to establish a definitive association between this variant and the reported condition. Therefore, this variant is classified as a variant of uncertain significance.

Labcorp Genetics (formerly Invitae), Labcorp
Classification: Uncertain significance for Autosomal dominant spastic paraplegia type 9; de Barsy syndrome; Cutis laxa, autosomal dominant 3. Last evaluated: 2023-08-27. Review status: criteria provided, single submitter. Criteria: Invitae Variant Classification Sherloc (09022015). Collection method: clinical testing. Allele origin: germline.
Comment: ClinVar contains an entry for this variant (Variation ID: 1042075). Advanced modeling of protein sequence and biophysical properties (such as structural, functional, and spatial information, amino acid conservation, physicochemical variation, residue mobility, and thermodynamic stability) performed at Invitae indicates that this missense variant is not expected to disrupt ALDH18A1 protein function. In summary, the available evidence is currently insufficient to determine the role of this variant in disease. Therefore, it has been classified as a Variant of Uncertain Significance. This sequence change replaces threonine, which is neutral and polar, with methionine, which is neutral and non-polar, at codon 397 of the ALDH18A1 protein (p.Thr397Met). This variant is present in population databases (rs769823561, gnomAD 0.02%). This variant has not been reported in the literature in individuals affected with ALDH18A1-related conditions.

NM_002860.4(ALDH18A1):c.1190C>T (p.Thr397Met)

Gene: ALDH18A1 (aldehyde dehydrogenase 18 family member A1; minus strand). Cytogenetic location: 10q24.1.
Variant type: single nucleotide variant.
Coding change: c.1190C>T on transcript NM_002860.4 (MANE Select); coding-DNA position 1190, C replaced by T.
Protein change: p.Thr397Met; replaces threonine 397 with methionine.
Molecular consequence: missense variant.
Genome position (GRCh38, 1-based): chr10:95,625,418, G>A on the plus strand (C>T on the coding strand, the complement: ALDH18A1 is on the minus strand). VCF-style: chr10-95625418-G-A. GRCh37 (hg19) VCF-style: chr10-97385175-G-A.
Other names: c.1184C>T, p.Thr395Met (NM_001017423.2, NM_001323415.2); c.857C>T, p.Thr286Met (NM_001323412.2, NM_001323416.2); c.1190C>T, p.Thr397Met (NM_001323413.2, NM_001323414.2); c.1085C>T, p.Thr362Met (NM_001323417.2); c.851C>T, p.Thr284Met (NM_001323418.2); c.554C>T, p.Thr185Met (NM_001323419.2); short protein forms T185M, T284M, T286M, T362M, T397M, T395M.
Identifiers: ClinVar variation 1042075 (VCV001042075.11), dbSNP rs769823561, ClinGen allele CA5620394.